The following is an entry in ClinVar:

ClinVar aggregate classification (germline): Uncertain significance (1 of 4 stars; one submission).

Submission:

Labcorp Genetics (formerly Invitae), Labcorp
Classification: Uncertain significance. Last evaluated: 2022-07-27. Review status: criteria provided, single submitter. Criteria: Invitae Variant Classification Sherloc (09022015). Collection method: clinical testing. Allele origin: germline.
Comment: This sequence change falls in intron 16 of the TRAF3IP1 gene. It does not directly change the encoded amino acid sequence of the TRAF3IP1 protein. It affects a nucleotide within the consensus splice site. This variant is not present in population databases (gnomAD no frequency). This variant has not been reported in the literature in individuals affected with TRAF3IP1-related conditions. Variants that disrupt the consensus splice site are a relatively common cause of aberrant splicing (PMID: 17576681, 9536098). Algorithms developed to predict the effect of sequence changes on RNA splicing suggest that this variant is not likely to affect RNA splicing. In summary, the available evidence is currently insufficient to determine the role of this variant in disease. Therefore, it has been classified as a Variant of Uncertain Significance.

Literature cited by the submitters: PubMed 17576681; PubMed 9536098.

NM_015650.4(TRAF3IP1):c.1910+4G>T

Gene: TRAF3IP1 (TRAF3 interacting protein 1; plus strand). Cytogenetic location: 2q37.3.
Variant type: single nucleotide variant.
Coding change: c.1910+4G>T on transcript NM_015650.4 (MANE Select); 4 bases into the intron after coding-DNA position 1910, G replaced by T.
Molecular consequence: intron variant.
Genome position (GRCh38, 1-based): chr2:238,397,683, G>T. VCF-style: chr2-238397683-G-T. GRCh37 (hg19) VCF-style: chr2-239306324-G-T.
Other names: c.1712+4G>T (NM_001139490.1).
Identifiers: ClinVar variation 2144758 (VCV002144758.1), dbSNP rs147792234, ClinGen allele CA2580067931.